The following is an entry in ClinVar:

NM_021930.6(RINT1):c.2336T>C (p.Ile779Thr)

Genes: EFCAB10 (EF-hand calcium binding domain 10; minus strand), RINT1 (RAD50 interactor 1; plus strand). Cytogenetic location: 7q22.3.
Variant type: single nucleotide variant.
Coding change: c.2336T>C on transcript NM_021930.6 (MANE Select); coding-DNA position 2336, T replaced by C.
Protein change: p.Ile779Thr; replaces isoleucine 779 with threonine.
Molecular consequence: missense variant. On other transcripts: 3 prime UTR variant (2), non-coding transcript variant (1), intron variant (3).
Genome position (GRCh38, 1-based): chr7:105,567,268, T>C. VCF-style: chr7-105567268-T-C. GRCh37 (hg19) VCF-style: chr7-105207715-T-C.
Other names: c.*186A>G (NM_001355527.2, NM_001355529.2); c.2102T>C, p.Ile701Thr (NM_001346599.2); c.1313T>C, p.Ile438Thr (NM_001346600.2, NM_001346603.2); c.1412T>C, p.Ile471Thr (NM_001346601.2); c.360-1821A>G (NM_001355531.2); c.383+199A>G (NM_001355526.2, NM_001355530.2); short protein forms I779T, I701T, I438T, I471T.
Identifiers: ClinVar variation 1789784 (VCV001789784.5), dbSNP rs1337308511, ClinGen allele CA368815667.

ClinVar aggregate classification (germline): Uncertain significance. Review status: criteria provided, multiple submitters, no conflicts (2 of 4 stars). 2 submissions from 2 submitters: Uncertain significance (2). Last evaluated 2025-11-25.

gnomAD v4.1: 4 of 1,609,392 alleles (0.00025%); highest among the groups gnomAD compares: East Asian, 0.0089%; no homozygotes.

Submissions (2):

Labcorp Genetics (formerly Invitae), Labcorp
Classification: Uncertain significance. Last evaluated: 2025-11-25. Review status: criteria provided, single submitter. Criteria: Invitae Variant Classification Sherloc (09022015). Collection method: clinical testing. Allele origin: germline.
Comment: This sequence change replaces isoleucine, which is neutral and non-polar, with threonine, which is neutral and polar, at codon 779 of the RINT1 protein (p.Ile779Thr). This variant is present in population databases (no rsID available, gnomAD 0.02%). This variant has not been reported in the literature in individuals affected with RINT1-related conditions. ClinVar contains an entry for this variant (Variation ID: 1789784). An algorithm developed to predict the effect of missense changes on protein structure and function (PolyPhen-2) suggests that this variant is likely to be disruptive. In summary, the available evidence is currently insufficient to determine the role of this variant in disease. Therefore, it has been classified as a Variant of Uncertain Significance.

Ambry Genetics
Classification: Uncertain significance. Last evaluated: 2022-05-21. Review status: criteria provided, single submitter. Criteria: Ambry Variant Classification Scheme 2023. Collection method: clinical testing. Allele origin: germline.
Comment: The p.I779T variant (also known as c.2336T>C), located in coding exon 15 of the RINT1 gene, results from a T to C substitution at nucleotide position 2336. The isoleucine at codon 779 is replaced by threonine, an amino acid with similar properties. This amino acid position is conserved. In addition, the in silico prediction for this alteration is inconclusive. Since supporting evidence is limited at this time, the clinical significance of this alteration remains unclear.